The following is an entry in ClinVar:

NM_006231.4(POLE):c.4582G>A (p.Ala1528Thr)

Gene: POLE (DNA polymerase epsilon, catalytic subunit; minus strand). Cytogenetic location: 12q24.33.
Variant type: single nucleotide variant.
Coding change: c.4582G>A on transcript NM_006231.4 (MANE Select); coding-DNA position 4582, G replaced by A.
Protein change: p.Ala1528Thr; replaces alanine 1528 with threonine.
Molecular consequence: missense variant.
Genome position (GRCh38, 1-based): chr12:132,642,966, C>T on the plus strand (G>A on the coding strand, the complement: POLE is on the minus strand). VCF-style: chr12-132642966-C-T. GRCh37 (hg19) VCF-style: chr12-133219552-C-T.
Other names: short protein forms A1528T.
Identifiers: ClinVar variation 403333 (VCV000403333.53), dbSNP rs373468985, ClinGen allele CA6892769.
Genomic context (GRCh38, chr12:132,642,966, plus strand): 5'-GTGGCAGGAGCTCAGGGCCCACCTTCTCCAGGAGGAGGCCGTGCTCTGCTGAGTACAGGG[C>T]GCCAAGGCTGGGCATCTGGTTGCTGCGCACCTAGACCAACGCAGGCCACGTCAGCCTCCC-3'
Protein context (NP_006222.2, residues 1518-1538): VRSNQMPSLG[Ala1528Thr]LYSAEHGLLL

ClinVar aggregate classification (germline): Conflicting classifications of pathogenicity. Review status: criteria provided, conflicting classifications (1 of 4 stars). 12 submissions from 12 submitters: Uncertain significance (10); Likely benign (1). 1 of the submissions does not count toward it. Last evaluated 2026-01-14.

Conditions:
Hereditary cancer-predisposing syndrome. Also called: Neoplastic Syndromes, Hereditary; Hereditary neoplastic syndrome; Tumor predisposition; Hereditary Cancer Syndrome. Identifiers: Orphanet 140162, MedGen C0027672, MeSH D009386, MONDO:0015356.
Intrauterine growth retardation, metaphyseal dysplasia, adrenal hypoplasia congenita, genital anomalies, and immunodeficiency. Also called: IMAGEI SYNDROME. Identifiers: MedGen C5193036, MONDO:0032684, OMIM 618336.
Facial dysmorphism-immunodeficiency-livedo-short stature syndrome. Also called: Facial dysmorphism, immunodeficiency, livedo, and short stature; FILS syndrome. Identifiers: Orphanet 352712, MedGen C3554576, MONDO:0014058, OMIM 615139.
Colorectal cancer, susceptibility to, 12 (CRCS12). Also called: COLORECTAL CANCER, SUSCEPTIBILITY TO, ON CHROMOSOME 12q24. Identifiers: Orphanet 220460, MedGen C3554460, MONDO:0014038, OMIM 615083.
POLE-related disorder. Also called: POLE-related condition; POLE-related disorders.

Allele frequency attached by ClinVar (database versions not stated): ExAC 0.00002; gnomAD 0.00004 and 0.00005; TOPMed 0.00005; ESP Exome Variant Server 0.00008.
gnomAD v4.1: 37 of 1,596,998 alleles (0.0023%); highest among the groups gnomAD compares: East Asian, 0.0045%; no homozygotes.

Submissions (12):

Labcorp Genetics (formerly Invitae), Labcorp
Classification: Uncertain significance. Last evaluated: 2026-01-14. Review status: criteria provided, single submitter. Criteria: Invitae Variant Classification Sherloc (09022015). Collection method: clinical testing. Allele origin: germline.
Comment: This sequence change replaces alanine, which is neutral and non-polar, with threonine, which is neutral and polar, at codon 1528 of the POLE protein (p.Ala1528Thr). This variant is present in population databases (rs373468985, gnomAD 0.004%). This variant has not been reported in the literature in individuals affected with POLE-related conditions. ClinVar contains an entry for this variant (Variation ID: 403333). Invitae Evidence Modeling of protein sequence and biophysical properties (such as structural, functional, and spatial information, amino acid conservation, physicochemical variation, residue mobility, and thermodynamic stability) indicates that this missense variant is not expected to disrupt POLE protein function with a negative predictive value of 80%. In summary, the available evidence is currently insufficient to determine the role of this variant in disease. Therefore, it has been classified as a Variant of Uncertain Significance.

PreventionGenetics, part of Exact Sciences
Classification: Uncertain significance for POLE-related condition. Last evaluated: 2025-07-31. Review status: criteria provided, single submitter. Criteria: ACMG Guidelines, 2015. Collection method: clinical testing. Allele origin: germline.
Comment: The POLE c.4582G>A variant is predicted to result in the amino acid substitution p.Ala1528Thr. This variant has been reported in an individual with a personal and family history of breast cancer (Supplemental Table 3, de Oliveira et al. 2022. PubMed ID: 35534704). This variant is reported in 0.0033% of alleles in individuals of European (Non-Finnish) descent in gnomAD. In ClinVar, this variant has conflicting interpretations of pathogenicity ranging from uncertain to likely benign (Variation ID: 403333). At this time, the clinical significance of this variant is uncertain due to the absence of conclusive functional and genetic evidence.

Ambry Genetics
Classification: Likely benign for Hereditary cancer-predisposing syndrome. Last evaluated: 2024-12-12. Review status: criteria provided, single submitter. Criteria: Ambry Variant Classification Scheme 2023. Collection method: clinical testing. Allele origin: germline.

CeGaT Center for Human Genetics Tuebingen
Classification: Uncertain significance. Last evaluated: 2024-12-01. Review status: criteria provided, single submitter. Criteria: CeGaT Center For Human Genetics Tuebingen Variant Classification Criteria Version 2. Collection method: clinical testing. Allele origin: germline. Affected: yes. Observed: 1 variant allele.

GeneDx
Classification: Uncertain significance. Last evaluated: 2023-10-16. Review status: criteria provided, single submitter. Criteria: GeneDx Variant Classification Process June 2021. Collection method: clinical testing. Allele origin: germline. Affected: yes.
Comment: Not observed at significant frequency in large population cohorts (gnomAD); In silico analysis supports that this missense variant does not alter protein structure/function; Not observed in any cases, but was observed in unaffected controls from a melanoma study (PMID: 29641532); This variant is associated with the following publications: (PMID: 33692861, 29056344, 36853785, 29641532)

Fulgent Genetics
Classification: Uncertain significance for Colorectal cancer, susceptibility to, 12; Facial dysmorphism-immunodeficiency-livedo-short stature syndrome; Intrauterine growth retardation, metaphyseal dysplasia, adrenal hypoplasia congenita, genital anomalies, and immunodeficiency. Last evaluated: 2022-02-14. Review status: criteria provided, single submitter. Criteria: ACMG Guidelines, 2015. Collection method: clinical testing. Allele origin: unknown.

Genetic Services Laboratory, University of Chicago
Classification: Uncertain significance. Last evaluated: 2021-09-22. Review status: criteria provided, single submitter. Criteria: ACMG Guidelines, 2015. Collection method: clinical testing. Allele origin: germline. Affected: no.
Comment: DNA sequence analysis of the POLE gene demonstrated a sequence change, c.4582G>A, in exon 36 that results in an amino acid change, p.Ala1528Thr. This sequence change has been described in the gnomAD database with a frequency of 0.003% in the non-Finnish European subpopulation (dbSNP rs373468985). The p.Ala1528Thr change affects a poorly conserved amino acid residue located in a domain of the POLE protein that is known to be functional. The p.Ala1528Thr substitution appears to be benign using several in-silico pathogenicity prediction tools (SIFT, PolyPhen2, Align GVGD, REVEL). This sequence change does not appear to have been previously described in individuals with POLE-related disorders. Due to insufficient evidences and the lack of functional studies, the clinical significance of the p.Ala1528Thr change remains unknown at this time.

MGZ Medical Genetics Center
Classification: Uncertain significance for Colorectal cancer, susceptibility to, 12. Last evaluated: 2021-09-01. Review status: criteria provided, single submitter. Criteria: ACMG Guidelines, 2015. Collection method: clinical testing. Allele origin: germline. Affected: yes. Observed: 1 variant allele.
Comment: ACMG criteria applied: PM2_SUP, BP4

St. Jude Molecular Pathology, St. Jude Children's Research Hospital
Classification: Uncertain significance for Colorectal cancer, susceptibility to, 12. Last evaluated: 2021-08-05. Review status: criteria provided, single submitter. Criteria: St. Jude Assertion Criteria 2020. Collection method: clinical testing. Allele origin: germline.
Comment: The POLE c.4582G>A (p.Ala1528Thr) missense change has a maximum subpopulation frequency of 0.0033% in gnomAD v2.1.1. Seven of seven in silico tools predict a benign effect of this variant on protein function (BP4), but to our knowledge these predictions have not been confirmed by functional assays. To our knowledge, this variant has not been reported in the literature in individuals with POLE-related disease. This variant has been identified in hypermutated tumors (PMID: 29056344, 33692861), as well as those with low tumor mutational burden (PMID: 29056344). In summary, this variant meets criteria to be classified as of uncertain significance based on the ACMG/AMP criteria: BP4.

Quest Diagnostics Nichols Institute San Juan Capistrano
Classification: Uncertain significance. Last evaluated: 2018-11-21. Review status: criteria provided, single submitter. Criteria: Quest Diagnostics criteria. Collection method: clinical testing. Allele origin: germline.

Laboratory for Molecular Medicine, Mass General Brigham Personalized Medicine
Classification: Uncertain significance. Last evaluated: 2016-10-31. Review status: criteria provided, single submitter. Criteria: LMM Criteria. Collection method: clinical testing. Allele origin: germline.
Comment: Variant identified in a genome or exome case(s) and assessed due to predicted null impact of the variant or pathogenic assertions in the literature or databases. Disclaimer: This variant has not undergone full assessment. The following are preliminary notes: This variant has not been reported in affected individuals. It is present in ExAC at a MaxMAF of 0.003%. This AA is not conserved - 30 species have a Thr at this position, including 15 mammals. It is not present in ClinVar and is predicted to be benign by multiple prediction tools.

True Health Diagnostics
Classification: Uncertain significance for Hereditary cancer-predisposing syndrome. Last evaluated: 2018-01-25. Review status: no assertion criteria provided. Collection method: clinical testing. Allele origin: germline. Not counted in ClinVar's aggregate classification.